The following is an entry in ClinVar:

ClinVar aggregate classification (germline): Pathogenic (1 of 4 stars; one submission).

Conditions:
Pendred syndrome (PDS). Also called: Pendred Syndrome (PDS); DEAFNESS WITH GOITER; GOITER-DEAFNESS SYNDROME; HYPOTHYROIDISM, CONGENITAL, DUE TO DYSHORMONOGENESIS, 2B; THYROID DYSHORMONOGENESIS 2B; THYROID HORMONOGENESIS, GENETIC DEFECT IN, 2B. Identifiers: Orphanet 705, MedGen C0271829, MONDO:0010134, OMIM 274600.

Submission:

Myriad Genetics, Inc.
Classification: Pathogenic for Pendred syndrome. Last evaluated: 2024-01-24. Review status: criteria provided, single submitter. Criteria: Myriad Autosomal Dominant, Autosomal Recessive and X-Linked Classification Criteria (2023). Collection method: clinical testing. Allele origin: unknown.
Comment: NM_000441.1(SLC26A4):c.143_144insC(E48Dfs*39) is expected to be pathogenic in the context of Pendred syndrome. This variant is predicted to lead to an abnormal or absent protein product due to the creation of a premature termination codon in SLC26A4, a gene where loss-of-function variants are known to be pathogenic. Please note: this variant was assessed in the context of healthy population screening.

NM_000441.2(SLC26A4):c.143_144insC (p.Glu48fs)

Genes: SLC26A4-AS1 (SLC26A4 antisense RNA 1; minus strand), SLC26A4 (solute carrier family 26 member 4; plus strand). Cytogenetic location: 7q22.3.
Variant type: Insertion.
Coding change: c.143_144insC on transcript NM_000441.2 (MANE Select); coding-DNA positions 143 to 144, C inserted.
Protein change: p.Glu48fs; shifts the reading frame from glutamic acid 48.
Molecular consequence: frameshift variant. On other transcripts: non-coding transcript variant (1).
Genome position: GRCh38 VCF-style: chr7-107661784-A-AC. GRCh37 (hg19) VCF-style: chr7-107302229-A-AC.
Other names: short protein forms E48fs.
Identifiers: ClinVar variation 5012678 (VCV005012678.1).
Genomic context (GRCh38, chr7:107,661,784, plus strand): 5'-GCGAGCTCGCTTTCCAGCAACAGCACGAGCGGCGCCTGCAGGAGCGCAAGACGCTGCGGG[A>AC]GAGCCTGGCCAAGTGCTGCAGGTAGCGGCCGCGCGGGCCTGCGTAGAGAGAAGCGGAGCG-3'